The following is an entry in ClinVar:

ClinVar aggregate classification (germline): Likely benign. Review status: criteria provided, multiple submitters, no conflicts (2 of 4 stars). 2 submissions from 2 submitters: Likely benign (2). Last evaluated 2026-04-01.

Submissions (2):

CeGaT Center for Human Genetics Tuebingen
Classification: Likely benign. Last evaluated: 2026-04-01. Review status: criteria provided, single submitter. Criteria: CeGaT Center For Human Genetics Tuebingen Variant Classification Criteria Version 2. Collection method: clinical testing. Allele origin: germline. Affected: yes. Observed: 1 variant allele.
Comment: FLG: BP4, BP7

Blueprint Genetics
Classification: Likely benign. Last evaluated: 2024-11-25. Review status: criteria provided, single submitter. Criteria: ACMG Guidelines, 2015. Collection method: clinical testing. Allele origin: germline.

NM_002016.2(FLG):c.6471G>A (p.Ser2157=)

Genes: CCDST (cervical cancer associated DHX9 suppressive transcript; plus strand), FLG (filaggrin; minus strand). Cytogenetic location: 1q21.3.
Variant type: single nucleotide variant.
Coding change: c.6471G>A on transcript NM_002016.2 (MANE Select); coding-DNA position 6471, G replaced by A.
Protein change: p.Ser2157=; no amino-acid change (serine 2157 retained).
Molecular consequence: synonymous variant.
Genome position (GRCh38, 1-based): chr1:152,308,415, C>T on the plus strand (G>A on the coding strand, the complement: FLG is on the minus strand). VCF-style: chr1-152308415-C-T. GRCh37 (hg19) VCF-style: chr1-152280891-C-T.
Identifiers: ClinVar variation 4872160 (VCV004872160.3).
Genomic context (GRCh38, chr1:152,308,415, plus strand): 5'-AGACCTTCCCTGGGATGTGGTGTGGCTGTGATGAGACCCTGAGTGTCCAGACCTATCTAC[C>T]GATTGCTCTTGGTGGGACCCCTGTCTTCCTCCTCTGCTTGGCCCCGGGTGTCCACGAATG-3'
Protein context (NP_002007.1, residues 2147-2167): GGRQGSHQEQ[Ser2157=]VDRSGHSGSH